The following is an entry in ClinVar:

ClinVar aggregate classification (germline): Uncertain significance (1 of 4 stars; one submission).

Submission:

Labcorp Genetics (formerly Invitae), Labcorp
Classification: Uncertain significance. Last evaluated: 2026-01-05. Review status: criteria provided, single submitter. Criteria: Invitae Variant Classification Sherloc (09022015). Collection method: clinical testing. Allele origin: germline.
Comment: This sequence change replaces serine, which is neutral and polar, with alanine, which is neutral and non-polar, at codon 478 of the XPO5 protein (p.Ser478Ala). This variant is not present in population databases (gnomAD no frequency). This variant has not been reported in the literature in individuals affected with XPO5-related conditions. ClinVar contains an entry for this variant (Variation ID: 2778073). An algorithm developed to predict the effect of missense changes on protein structure and function outputs the following: PolyPhen-2: "Benign". The alanine amino acid residue is found in multiple mammalian species, which suggests that this missense change does not adversely affect protein function. In summary, the available evidence is currently insufficient to determine the role of this variant in disease. Therefore, it has been classified as a Variant of Uncertain Significance.

NM_020750.3(XPO5):c.1432T>G (p.Ser478Ala)

Genes: POLR1C (RNA polymerase I and III subunit C; plus strand), XPO5 (exportin 5; minus strand). Cytogenetic location: 6p21.1.
Variant type: single nucleotide variant.
Coding change: c.1432T>G on transcript NM_020750.3 (MANE Select); coding-DNA position 1432, T replaced by G.
Protein change: p.Ser478Ala; replaces serine 478 with alanine.
Molecular consequence: missense variant. On other transcripts: non-coding transcript variant (1), intron variant (1).
Genome position (GRCh38, 1-based): chr6:43,555,845, A>C on the plus strand (T>G on the coding strand, the complement: XPO5 is on the minus strand). VCF-style: chr6-43555845-A-C. GRCh37 (hg19) VCF-style: chr6-43523582-A-C.
Other names: c.*42+4834A>C (NM_001363658.2); short protein forms S478A.
Identifiers: ClinVar variation 2778073 (VCV002778073.3), dbSNP rs1253985876, ClinGen allele CA364249059.